The following is an entry in ClinVar:

ClinVar aggregate classification (germline): Uncertain significance (1 of 4 stars; one submission).

Submission:

GeneDx
Classification: Uncertain significance. Last evaluated: 2023-05-28. Review status: criteria provided, single submitter. Criteria: GeneDx Variant Classification Process June 2021. Collection method: clinical testing. Allele origin: germline. Affected: yes.
Comment: Not observed at significant frequency in large population cohorts (gnomAD); In silico analysis supports that this missense variant does not alter protein structure/function; Has not been previously published as pathogenic or benign to our knowledge

NM_170606.3(KMT2C):c.5499G>C (p.Gln1833His)

Gene: KMT2C (lysine methyltransferase 2C; minus strand). Cytogenetic location: 7q36.1.
Variant type: single nucleotide variant.
Coding change: c.5499G>C on transcript NM_170606.3 (MANE Select); coding-DNA position 5499, G replaced by C.
Protein change: p.Gln1833His; replaces glutamine 1833 with histidine.
Molecular consequence: missense variant.
Genome position (GRCh38, 1-based): chr7:152,182,361, C>G on the plus strand (G>C on the coding strand, the complement: KMT2C is on the minus strand). VCF-style: chr7-152182361-C-G. GRCh37 (hg19) VCF-style: chr7-151879446-C-G.
Other names: short protein forms Q1833H.
Identifiers: ClinVar variation 3362057 (VCV003362057.1).